The following is an entry in ClinVar:

ClinVar aggregate classification (germline): Uncertain significance (1 of 4 stars; one submission).

Conditions:
Hereditary cancer-predisposing syndrome. Also called: Hereditary Cancer Syndrome; Hereditary neoplastic syndrome; Neoplastic Syndromes, Hereditary; Tumor predisposition. Identifiers: Orphanet 140162, MedGen C0027672, MeSH D009386, MONDO:0015356.

Submission:

Ambry Genetics
Classification: Uncertain significance for Hereditary cancer-predisposing syndrome. Last evaluated: 2025-09-01. Review status: criteria provided, single submitter. Criteria: Ambry Variant Classification Scheme 2023. Collection method: clinical testing. Allele origin: germline.
Comment: The p.A1075D variant (also known as c.3224C>A), located in coding exon 19 of the DICER1 gene, results from a C to A substitution at nucleotide position 3224. The alanine at codon 1075 is replaced by aspartic acid, an amino acid with dissimilar properties. This amino acid position is conserved. In addition, this alteration is predicted to be deleterious by in silico analysis. Based on the available evidence, the clinical significance of this variant remains unclear.

NM_177438.3(DICER1):c.3224C>A (p.Ala1075Asp)

Gene: DICER1 (dicer 1, ribonuclease III; minus strand). Cytogenetic location: 14q32.13.
Variant type: single nucleotide variant.
Coding change: c.3224C>A on transcript NM_177438.3 (MANE Select); coding-DNA position 3224, C replaced by A.
Protein change: p.Ala1075Asp; replaces alanine 1075 with aspartic acid.
Molecular consequence: missense variant. On other transcripts: non-coding transcript variant (6).
Genome position (GRCh38, 1-based): chr14:95,105,116, G>T on the plus strand (C>A on the coding strand, the complement: DICER1 is on the minus strand). VCF-style: chr14-95105116-G-T. GRCh37 (hg19) VCF-style: chr14-95571453-G-T.
Other names: c.3224C>A, p.Ala1075Asp (NM_001195573.1, NM_001271282.3, NM_001291628.2 and 12 more transcripts); c.2942C>A, p.Ala981Asp (NM_001395686.1); c.2819C>A, p.Ala940Asp (NM_001395687.1, NM_001395688.1, NM_001395689.1 and 2 more transcripts); c.2657C>A, p.Ala886Asp (NM_001395691.1); c.1541C>A, p.Ala514Asp (NM_001395697.1); short protein forms A886D, A1075D, A981D, A514D, A940D.
Identifiers: ClinVar variation 4240535 (VCV004240535.1).
Genomic context (GRCh38, chr14:95,105,116, plus strand): 5'-ACTGCACAGGCATACCTAAAATCCGCAGGAAGTGATCTGACTCCCACGCCAGCATCGCTG[G>T]CAGTCTGGGCTCTTAGCTCCTCTGCAGTCAAAAGGCAGTGAAGGCGATAAAGTATGCTGG-3'
Protein context (NP_803187.1, residues 1065-1085): LTAEELRAQT[Ala1075Asp]SDAGVGVRSL